The following is an entry in ClinVar:

ClinVar aggregate classification (germline): Uncertain significance (1 of 4 stars; one submission).

Conditions:
Dowling-Degos disease 2 (DDD2). Identifiers: Orphanet 79145, MedGen C3809147, MONDO:0014130, OMIM 615327.

gnomAD v4.1: 1 of 1,614,200 alleles (0.000062%); highest among the groups gnomAD compares: East Asian, 0.0022%; no homozygotes.

Submission:

Labcorp Genetics (formerly Invitae), Labcorp
Classification: Uncertain significance for Dowling-Degos disease 2. Last evaluated: 2021-03-12. Review status: criteria provided, single submitter. Criteria: Invitae Variant Classification Sherloc (09022015). Collection method: clinical testing. Allele origin: germline.
Comment: This sequence change replaces alanine with aspartic acid at codon 224 of the POFUT1 protein (p.Ala224Asp). The alanine residue is moderately conserved and there is a moderate physicochemical difference between alanine and aspartic acid. This variant is not present in population databases (ExAC no frequency). In summary, the available evidence is currently insufficient to determine the role of this variant in disease. Therefore, it has been classified as a Variant of Uncertain Significance. Algorithms developed to predict the effect of missense changes on protein structure and function (SIFT, PolyPhen-2, Align-GVGD) all suggest that this variant is likely to be tolerated, but these predictions have not been confirmed by published functional studies and their clinical significance is uncertain. This variant has not been reported in the literature in individuals with POFUT1-related conditions.

NM_015352.2(POFUT1):c.671C>A (p.Ala224Asp)

Gene: POFUT1 (protein O-fucosyltransferase 1; plus strand). Cytogenetic location: 20q11.21.
Variant type: single nucleotide variant.
Coding change: c.671C>A on transcript NM_015352.2 (MANE Select); coding-DNA position 671, C replaced by A.
Protein change: p.Ala224Asp; replaces alanine 224 with aspartic acid.
Molecular consequence: missense variant.
Genome position (GRCh38, 1-based): chr20:32,228,391, C>A. VCF-style: chr20-32228391-C-A. GRCh37 (hg19) VCF-style: chr20-30816194-C-A.
Other names: short protein forms A224D.
Identifiers: ClinVar variation 1461585 (VCV001461585.8), dbSNP rs1473312089, ClinGen allele CA408553611.
Genomic context (GRCh38, chr20:32,228,391, plus strand): 5'-AACACAGGCCACTACAGAAGTACATGGTATGGTCAGACGAAATGGTGAAGACGGGAGAGG[C>A]CCAGATTCATGCCCACCTTGTCCGGCCCTATGTGGGCATTCATCTGCGCATTGGCTCTGA-3'
Protein context (NP_056167.1, residues 214-234): WSDEMVKTGE[Ala224Asp]QIHAHLVRPY